The following is an entry in ClinVar:

ClinVar aggregate classification (germline): Likely benign. Review status: criteria provided, multiple submitters, no conflicts (2 of 4 stars). 2 submissions from 2 submitters: Likely benign (2). Last evaluated 2025-05-12.

gnomAD v4.1: 1 of 1,613,748 alleles (0.000062%); no homozygotes.

Submissions (2):

ARUP Laboratories, Molecular Genetics and Genomics, ARUP Laboratories
Classification: Likely benign. Last evaluated: 2025-05-12. Review status: criteria provided, single submitter. Criteria: ARUP Molecular Germline Variant Investigation Process 2024. Collection method: clinical testing. Allele origin: germline.

GeneDx
Classification: Likely benign. Last evaluated: 2015-11-18. Review status: criteria provided, single submitter. Criteria: GeneDx Variant Classification (06012015). Collection method: clinical testing. Allele origin: germline. Affected: yes.
Comment: This variant is considered likely benign or benign based on one or more of the following criteria: it is a conservative change, it occurs at a poorly conserved position in the protein, it is predicted to be benign by multiple in silico algorithms, and/or has population frequency not consistent with disease.

NM_000138.5(FBN1):c.5423-18G>A

Gene: FBN1 (fibrillin 1; minus strand). Cytogenetic location: 15q21.1.
Variant type: single nucleotide variant.
Coding change: c.5423-18G>A on transcript NM_000138.5 (MANE Select); 18 bases into the intron before coding-DNA position 5423, G replaced by A.
Molecular consequence: intron variant.
Genome position (GRCh38, 1-based): chr15:48,452,702, C>T on the plus strand (G>A on the coding strand, the complement: FBN1 is on the minus strand). VCF-style: chr15-48452702-C-T. GRCh37 (hg19) VCF-style: chr15-48744899-C-T.
Identifiers: ClinVar variation 381478 (VCV000381478.2), dbSNP rs1057521048, ClinGen allele CA16606703.